The following is an entry in ClinVar:

NM_001349253.2(SCN11A):c.2776G>A (p.Val926Ile)

Gene: SCN11A (sodium voltage-gated channel alpha subunit 11; minus strand). Cytogenetic location: 3p22.2.
Variant type: single nucleotide variant.
Coding change: c.2776G>A on transcript NM_001349253.2 (MANE Select); coding-DNA position 2776, G replaced by A.
Protein change: p.Val926Ile; replaces valine 926 with isoleucine.
Molecular consequence: missense variant.
Genome position (GRCh38, 1-based): chr3:38,894,592, C>T on the plus strand (G>A on the coding strand, the complement: SCN11A is on the minus strand). VCF-style: chr3-38894592-C-T. GRCh37 (hg19) VCF-style: chr3-38936083-C-T.
Other names: c.2776G>A, p.Val926Ile (NM_014139.3); short protein forms V926I.
Identifiers: ClinVar variation 651318 (VCV000651318.31), dbSNP rs759255427, ClinGen allele CA2321968.

ClinVar aggregate classification (germline): Conflicting classifications of pathogenicity. Review status: criteria provided, conflicting classifications (1 of 4 stars). 4 submissions from 4 submitters: Uncertain significance (3); Likely benign (1). Last evaluated 2025-01-27.

Conditions:
Inborn genetic diseases. Identifiers: MedGen C0950123, MeSH D030342.
Hereditary sensory and autonomic neuropathy type 7. Also called: HSAN VII; Neuropathy, hereditary sensory and autonomic, type VII. Identifiers: Orphanet 391397, MedGen C3809882, MONDO:0014244, OMIM 615548.
Familial episodic pain syndrome with predominantly lower limb involvement. Also called: Episodic pain syndrome, familial, 3. Identifiers: Orphanet 391384, Orphanet 391392, MedGen C3809899, MONDO:0014247, OMIM 615552.
SCN11A-related disorder. Also called: SCN11A-related condition.

Allele frequency attached by ClinVar (database versions not stated): gnomAD 0.00001; TOPMed 0.00001; ExAC 0.00002; gnomAD exomes 0.00003 and 0.00007.
gnomAD v4.1: 101 of 1,613,802 alleles (0.0063%); highest among the groups gnomAD compares: Non-Finnish European, 0.0081%; no homozygotes.

Submissions (4):

PreventionGenetics, part of Exact Sciences
Classification: Uncertain significance for SCN11A-related condition. Last evaluated: 2025-01-27. Review status: criteria provided, single submitter. Criteria: ACMG Guidelines, 2015. Collection method: clinical testing. Allele origin: germline.
Comment: The SCN11A c.2776G>A variant is predicted to result in the amino acid substitution p.Val926Ile. To our knowledge, this variant has not been reported in the literature. This variant is reported in 0.0080% of alleles in individuals of European (Finnish) descent in gnomAD. At this time, the clinical significance of this variant is uncertain due to the absence of conclusive functional and genetic evidence.

Labcorp Genetics (formerly Invitae), Labcorp
Classification: Uncertain significance for Familial episodic pain syndrome with predominantly lower limb involvement; Hereditary sensory and autonomic neuropathy type 7. Last evaluated: 2024-08-07. Review status: criteria provided, single submitter. Criteria: Invitae Variant Classification Sherloc (09022015). Collection method: clinical testing. Allele origin: germline.
Comment: This sequence change replaces valine, which is neutral and non-polar, with isoleucine, which is neutral and non-polar, at codon 926 of the SCN11A protein (p.Val926Ile). This variant is present in population databases (rs759255427, gnomAD 0.008%). This variant has not been reported in the literature in individuals affected with SCN11A-related conditions. ClinVar contains an entry for this variant (Variation ID: 651318). Advanced modeling of protein sequence and biophysical properties (such as structural, functional, and spatial information, amino acid conservation, physicochemical variation, residue mobility, and thermodynamic stability) performed at Invitae indicates that this missense variant is not expected to disrupt SCN11A protein function with a negative predictive value of 80%. In summary, the available evidence is currently insufficient to determine the role of this variant in disease. Therefore, it has been classified as a Variant of Uncertain Significance.

Ambry Genetics
Classification: Uncertain significance for Inborn genetic diseases. Last evaluated: 2023-11-01. Review status: criteria provided, single submitter. Criteria: Ambry Variant Classification Scheme 2023. Collection method: clinical testing. Allele origin: germline.

CeGaT Center for Human Genetics Tuebingen
Classification: Likely benign. Last evaluated: 2022-12-01. Review status: criteria provided, single submitter. Criteria: CeGaT Center For Human Genetics Tuebingen Variant Classification Criteria Version 2. Collection method: clinical testing. Allele origin: germline. Affected: yes. Observed: 1 variant allele.
Comment: SCN11A: BP4, BS2